The following is an entry in ClinVar:

NM_015015.3(KDM4B):c.1392_1406dup (p.Pro469_Pro470insGlnLeuProProPro)

Gene: KDM4B (lysine demethylase 4B; plus strand). Cytogenetic location: 19p13.3.
Variant type: Duplication.
Coding change: c.1392_1406dup on transcript NM_015015.3 (MANE Select); coding-DNA positions 1392 to 1406, 15 bases duplicated (ACAGCTGCCGCCCCC).
Protein change: p.Pro469_Pro470insGlnLeuProProPro.
Molecular consequence: inframe insertion.
Genome position (GRCh38, 1-based): chr19:5,131,152-5,131,166, ACAGCTGCCGCCCCC duplicated; duplicating any 15 consecutive bases within chr19:5,131,146-5,131,166 gives the same sequence; the c. name uses the placement nearest the transcript's 3' end. VCF-style (leftmost placement, unchanged base first): chr19-5131145-T-TGCCCCCACAGCTGCC. GRCh37 (hg19) VCF-style: chr19-5131156-T-TGCCCCCACAGCTGCC.
Other names: c.1494_1508dup, p.Pro503_Pro504insGlnLeuProProPro (NM_001411148.1).
Identifiers: ClinVar variation 2507309 (VCV002507309.1), dbSNP rs2512131195, ClinGen allele CA2580613029.

ClinVar aggregate classification (germline): Uncertain significance (1 of 4 stars; one submission).

Submission:

GeneDx
Classification: Uncertain significance. Last evaluated: 2022-12-29. Review status: criteria provided, single submitter. Criteria: GeneDx Variant Classification Process June 2021. Collection method: clinical testing. Allele origin: germline. Affected: yes.
Comment: Not observed at significant frequency in large population cohorts (gnomAD); In-frame duplication of 5 amino acids in a non-repeat region; In silico analysis supports that this variant does not alter protein structure/function; Has not been previously published as pathogenic or benign to our knowledge